The following is an entry in ClinVar:

ClinVar aggregate classification (germline): Likely benign. Review status: reviewed by expert panel (3 of 4 stars). 2 submissions from 2 submitters: Likely benign (1). 1 of the submissions does not count toward it. Last evaluated 2024-08-28.

Conditions:
Hereditary thrombocytopenia and hematological cancer predisposition syndrome associated with RUNX1. Also called: Familial Platelet Disorder with Propensity to Acute Myelogenous Leukemia; Familial thrombocytopenia with propensity to acute myelogenous leukemia; PLATELET DISORDER, ASPIRIN-LIKE; RUNX1 Familial Platelet Disorder with Associated Myeloid Malignancies. Identifiers: Orphanet 71290, MedGen C1832388, MeSH C563324, MONDO:0100083, OMIM 601399.
Hereditary thrombocytopenia and hematologic cancer predisposition syndrome. Identifiers: Orphanet 71290, MedGen CN281654, MONDO:0011071.

Submissions (2):

ClinGen Myeloid Malignancy Variant Curation Expert Panel
Classification: Likely benign for Hereditary thrombocytopenia and hematologic cancer predisposition syndrome. Last evaluated: 2024-08-28. Review status: reviewed by expert panel. Criteria: ClinGen MyeloMalig ACMG Specifications v2. Collection method: curation. Allele origin: germline. Inheritance: Autosomal dominant inheritance.
Comment: NM_001754.5(RUNX1):c.806-15dup is an intronic variant in intron 7 of the biologically relevant transcript. This variant has not been observed in any population according to gnomAD v3 (PM2_Supporting). The nucleotide and surrounding sequence are not evolutionarily conserved, and the variant is not predicted to affect splicing according to SpliceAI (score 0.01) (BP4, BP7). The variant has not been described in the literature. In summary, this variant meets criteria to be classified as likely benign. ACMG/AMP criteria applied, as specified by the Myeloid Malignancy Variant Curation Expert Panel for RUNX1: BP4, BP7, PM2_Supporting.

Labcorp Genetics (formerly Invitae), Labcorp
Classification: Likely benign for Hereditary thrombocytopenia and hematological cancer predisposition syndrome associated with RUNX1. Last evaluated: 2025-05-25. Review status: criteria provided, single submitter. Criteria: Invitae Variant Classification Sherloc (09022015). Collection method: clinical testing. Allele origin: germline. Not counted in ClinVar's aggregate classification.

NM_001754.5(RUNX1):c.806-15dup

Gene: RUNX1 (RUNX family transcription factor 1; minus strand). Cytogenetic location: 21q22.12.
Variant type: Duplication.
Coding change: c.806-15dup on transcript NM_001754.5 (MANE Select); 15 bases into the intron before coding-DNA position 806, one base duplicated (T; older notation c.806-15dupT).
Molecular consequence: intron variant.
Genome position (GRCh38, 1-based): chr21:34,799,477, A duplicated on the plus strand (T on the coding strand, the reverse complement: RUNX1 is on the minus strand); the first of 3 consecutive A bases (chr21:34,799,477-34,799,479); duplicating any one gives the same sequence. VCF-style (leftmost placement, unchanged base first): chr21-34799476-G-GA. GRCh37 (hg19) VCF-style: chr21-36171773-G-GA.
Other names: c.725-15dup (NM_001001890.3).
Identifiers: ClinVar variation 1988512 (VCV001988512.5), dbSNP rs1214730660, ClinGen allele CA637689884.